The following is an entry in ClinVar:

ClinVar aggregate classification (germline): Likely benign. Review status: criteria provided, multiple submitters, no conflicts (2 of 4 stars). 2 submissions from 2 submitters: Likely benign (2). Last evaluated 2025-08-30.

Conditions:
Hereditary cancer-predisposing syndrome. Also called: Neoplastic Syndromes, Hereditary; Tumor predisposition; Hereditary Cancer Syndrome; Hereditary neoplastic syndrome. Identifiers: Orphanet 140162, MedGen C0027672, MeSH D009386, MONDO:0015356.

Submissions (2):

Ambry Genetics
Classification: Likely benign for Hereditary cancer-predisposing syndrome. Last evaluated: 2025-08-30. Review status: criteria provided, single submitter. Criteria: Ambry Variant Classification Scheme 2023. Collection method: clinical testing. Allele origin: germline.

CeGaT Center for Human Genetics Tuebingen
Classification: Likely benign. Last evaluated: 2025-08-01. Review status: criteria provided, single submitter. Criteria: CeGaT Center For Human Genetics Tuebingen Variant Classification Criteria Version 2. Collection method: clinical testing. Allele origin: germline. Affected: yes. Observed: 1 variant allele.
Comment: SUFU: PM2:Supporting, BP4, BP7

NM_016169.4(SUFU):c.486C>T (p.Ser162=)

Gene: SUFU (SUFU negative regulator of hedgehog signaling; plus strand). Cytogenetic location: 10q24.32.
Variant type: single nucleotide variant.
Coding change: c.486C>T on transcript NM_016169.4 (MANE Select); coding-DNA position 486, C replaced by T.
Protein change: p.Ser162=; no amino-acid change (serine 162 retained).
Molecular consequence: synonymous variant.
Genome position (GRCh38, 1-based): chr10:102,592,613, C>T. VCF-style: chr10-102592613-C-T. GRCh37 (hg19) VCF-style: chr10-104352370-C-T.
Other names: c.486C>T, p.Ser162= (NM_001178133.2).
Identifiers: ClinVar variation 4083937 (VCV004083937.9).
Genomic context (GRCh38, chr10:102,592,613, plus strand): 5'-CAATGAGGATCCTTGTATCTCTCCCACAGAGAACACCTTCTGCAGTGGGGACCATGTGTC[C>T]TGGCACAGCCCTTTGGATAACAGTGAGTCAAGAATTCAGCACATGCTGCTGACAGAGGAC-3'
Protein context (NP_057253.2, residues 152-172): ENTFCSGDHV[Ser162=]WHSPLDNSES